The following is an entry in ClinVar:

NM_006361.6(HOXB13):c.30T>G (p.Asp10Glu)

Gene: HOXB13 (homeobox B13; minus strand). Cytogenetic location: 17q21.32.
Variant type: single nucleotide variant.
Coding change: c.30T>G on transcript NM_006361.6 (MANE Select); coding-DNA position 30, T replaced by G.
Protein change: p.Asp10Glu; replaces aspartic acid 10 with glutamic acid.
Molecular consequence: missense variant.
Genome position (GRCh38, 1-based): chr17:48,728,564, A>C on the plus strand (T>G on the coding strand, the complement: HOXB13 is on the minus strand). VCF-style: chr17-48728564-A-C. GRCh37 (hg19) VCF-style: chr17-46805926-A-C.
Other names: short protein forms D10E.
Identifiers: ClinVar variation 690708 (VCV000690708.16), dbSNP rs1597935325, ClinGen allele CA400109874.

ClinVar aggregate classification (germline): Uncertain significance. Review status: criteria provided, multiple submitters, no conflicts (2 of 4 stars). 3 submissions from 3 submitters: Uncertain significance (2). 1 of the submissions does not count toward it. Last evaluated 2025-11-22.

Conditions:
Hereditary cancer-predisposing syndrome. Also called: Neoplastic Syndromes, Hereditary; Tumor predisposition; Hereditary neoplastic syndrome; Hereditary Cancer Syndrome. Identifiers: Orphanet 140162, MedGen C0027672, MeSH D009386, MONDO:0015356.
Prostate cancer, hereditary, 1 (HPC1). Identifiers: Orphanet 1331, MedGen C4722327, MONDO:0011098, OMIM 601518.

Submissions (3):

Labcorp Genetics (formerly Invitae), Labcorp
Classification: Uncertain significance. Last evaluated: 2025-11-22. Review status: criteria provided, single submitter. Criteria: Invitae Variant Classification Sherloc (09022015). Collection method: clinical testing. Allele origin: germline.
Comment: This sequence change replaces aspartic acid, which is acidic and polar, with glutamic acid, which is acidic and polar, at codon 10 of the HOXB13 protein (p.Asp10Glu). This variant is not present in population databases (gnomAD no frequency). This variant has not been reported in the literature in individuals affected with HOXB13-related conditions. ClinVar contains an entry for this variant (Variation ID: 690708). An algorithm developed to predict the effect of missense changes on protein structure and function (PolyPhen-2) suggests that this variant is likely to be tolerated. In summary, the available evidence is currently insufficient to determine the role of this variant in disease. Therefore, it has been classified as a Variant of Uncertain Significance.

Ambry Genetics
Classification: Uncertain significance for Hereditary cancer-predisposing syndrome. Last evaluated: 2024-05-08. Review status: criteria provided, single submitter. Criteria: Ambry Variant Classification Scheme 2023. Collection method: clinical testing. Allele origin: germline.
Comment: The p.D10E variant (also known as c.30T>G), located in coding exon 1 of the HOXB13 gene, results from a T to G substitution at nucleotide position 30. The aspartic acid at codon 10 is replaced by glutamic acid, an amino acid with highly similar properties. This amino acid position is highly conserved in available vertebrate species. In addition, the in silico prediction for this alteration is inconclusive. Since supporting evidence is limited at this time, the clinical significance of this alteration remains unclear.

Laboratory of Virology, Microbiology,  Quality and Medical Biotechnologies, Faculty of Sciences and Techniques - Mohammedia, Hassan II University of Casablanca
Classification: Uncertain significance for Prostate cancer, hereditary, 1. Review status: no assertion criteria provided. Collection method: clinical testing. Allele origin: somatic. Affected: yes. Not counted in ClinVar's aggregate classification.